The following is an entry in ClinVar:

ClinVar aggregate classification (germline): Uncertain significance. Review status: criteria provided, multiple submitters, no conflicts (2 of 4 stars). 2 submissions from 2 submitters: Uncertain significance (2). Last evaluated 2022-12-29.

Conditions:
Autosomal dominant hypocalcemia 1 (HYPOC1). Also called: HYPOCALCEMIA, FAMILIAL. Identifiers: MedGen C3715128, MONDO:0011013, OMIM 601198.
Familial hypocalciuric hypercalcemia (FHH). Also called: Familial benign hypercalcemia. Identifiers: Orphanet 405, MedGen C1809471, MONDO:0018458.
Nephrolithiasis/nephrocalcinosis. Identifiers: MedGen CN580796.

Submissions (2):

Labcorp Genetics (formerly Invitae), Labcorp
Classification: Uncertain significance for Familial hypocalciuric hypercalcemia; Autosomal dominant hypocalcemia 1. Last evaluated: 2022-12-29. Review status: criteria provided, single submitter. Criteria: Invitae Variant Classification Sherloc (09022015). Collection method: clinical testing. Allele origin: germline.
Comment: This variant has not been reported in the literature in individuals affected with CASR-related conditions. This variant is not present in population databases (gnomAD no frequency). This sequence change replaces isoleucine, which is neutral and non-polar, with phenylalanine, which is neutral and non-polar, at codon 554 of the CASR protein (p.Ile554Phe). ClinVar contains an entry for this variant (Variation ID: 850669). In summary, the available evidence is currently insufficient to determine the role of this variant in disease. Therefore, it has been classified as a Variant of Uncertain Significance. Algorithms developed to predict the effect of missense changes on protein structure and function are either unavailable or do not agree on the potential impact of this missense change (SIFT: "Tolerated"; PolyPhen-2: "Possibly Damaging"; Align-GVGD: "Class C0").

Ambry Genetics
Classification: Uncertain significance for Nephrolithiasis/nephrocalcinosis. Last evaluated: 2021-11-03. Review status: criteria provided, single submitter. Criteria: Ambry Variant Classification Scheme 2023. Collection method: clinical testing. Allele origin: germline.
Comment: The p.I554F variant (also known as c.1660A>T), located in coding exon 5 of the CASR gene, results from an A to T substitution at nucleotide position 1660. The isoleucine at codon 554 is replaced by phenylalanine, an amino acid with highly similar properties. This amino acid position is conserved. In addition, this alteration is predicted to be deleterious by in silico analysis. Since supporting evidence is limited at this time, the clinical significance of this alteration remains unclear.

NM_000388.4(CASR):c.1660A>T (p.Ile554Phe)

Gene: CASR (calcium sensing receptor; plus strand). Cytogenetic location: 3q21.1.
Variant type: single nucleotide variant.
Coding change: c.1660A>T on transcript NM_000388.4 (MANE Select); coding-DNA position 1660, A replaced by T.
Protein change: p.Ile554Phe; replaces isoleucine 554 with phenylalanine.
Molecular consequence: missense variant.
Genome position (GRCh38, 1-based): chr3:122,282,164, A>T. VCF-style: chr3-122282164-A-T. GRCh37 (hg19) VCF-style: chr3-122001011-A-T.
Other names: c.1690A>T, p.Ile564Phe (NM_001178065.2); short protein forms I554F, I564F.
Identifiers: ClinVar variation 850669 (VCV000850669.12), dbSNP rs2074897865, ClinGen allele CA354156217.
Genomic context (GRCh38, chr3:122,282,164, plus strand): 5'-GTCCTCCAGGTGCCCTTCTCCAACTGCAGCCGAGACTGCCTGGCAGGGACCAGGAAAGGG[A>T]TCATTGAGGGGGAGCCCACCTGCTGCTTTGAGTGTGTGGAGTGTCCTGATGGGGAGTATA-3'
Protein context (NP_000379.3, residues 544-564): RDCLAGTRKG[Ile554Phe]IEGEPTCCFE